The following is an entry in ClinVar:

ClinVar aggregate classification (germline): Uncertain significance (1 of 4 stars; one submission).

gnomAD v4.1: 1 of 1,209,502 alleles (0.000083%); highest among the groups gnomAD compares: Non-Finnish European, 0.00011%; no homozygotes.

Submission:

GeneDx
Classification: Uncertain significance. Last evaluated: 2026-02-15. Review status: criteria provided, single submitter. Criteria: GeneDx Variant Classification Process June 2021. Collection method: clinical testing. Allele origin: germline.
Comment: Not observed at significant frequency in large population cohorts (gnomAD); In silico analysis is inconclusive as to whether the variant alters gene splicing. In the absence of RNA/functional studies, the actual effect of this sequence change is unknown; Has not been previously published as pathogenic or benign to our knowledge

NM_004187.5(KDM5C):c.2062-10A>G

Gene: KDM5C (lysine demethylase 5C; minus strand). Cytogenetic location: Xp11.22.
Variant type: single nucleotide variant.
Coding change: c.2062-10A>G on transcript NM_004187.5 (MANE Select); 10 bases into the intron before coding-DNA position 2062, A replaced by G.
Molecular consequence: intron variant.
Genome position (GRCh38, 1-based): chrX:53,199,168, T>C on the plus strand (A>G on the coding strand, the complement: KDM5C is on the minus strand). VCF-style: chrX-53199168-T-C. GRCh37 (hg19) VCF-style: chrX-53228350-T-C.
Other names: c.2059-10A>G (NM_001353982.2, NM_001353979.2, NM_001282622.3); c.2062-10A>G (NM_001353981.2, NM_001353984.2, NM_001353978.3); c.1861-10A>G (NM_001146702.2).
Identifiers: ClinVar variation 5008045 (VCV005008045.1).